The following is an entry in ClinVar:

NM_001256071.3(RNF213):c.12358T>C (p.Phe4120Leu)

Genes: RNF213 (ring finger protein 213; plus strand), RNF213-AS1 (RNF213 antisense RNA 1; minus strand). Cytogenetic location: 17q25.3.
Variant type: single nucleotide variant.
Coding change: c.12358T>C on transcript NM_001256071.3 (MANE Select); coding-DNA position 12358, T replaced by C.
Protein change: p.Phe4120Leu; replaces phenylalanine 4120 with leucine.
Molecular consequence: missense variant.
Genome position (GRCh38, 1-based): chr17:80,369,800, T>C. VCF-style: chr17-80369800-T-C. GRCh37 (hg19) VCF-style: chr17-78343600-T-C.
Other names: c.12505T>C, p.Phe4169Leu (NM_001410195.1, NM_020914.5); short protein forms F4120L, F4169L.
Identifiers: ClinVar variation 4855517 (VCV004855517.1).
Genomic context (GRCh38, chr17:80,369,800, plus strand): 5'-TGAGCTGCCTTTTTCTTTCTGGTTTAAGGACACTGTGAACACACAAAATCTCTCTCTCCA[T>C]TCAATGATGTTGTGGATAAGACTCCTGTCATCCGCTCAGTGATACTGAAACTGCTTTTGA-3'
Protein context (NP_001243000.2, residues 4110-4130): HCEHTKSLSP[Phe4120Leu]NDVVDKTPVI

ClinVar aggregate classification (germline): Pathogenic (1 of 4 stars; one submission).

Conditions:
Moyamoya disease 2 (MYMY2). Also called: MOYAMOYA DISEASE 2, SUSCEPTIBILITY TO. Identifiers: Orphanet 2573, MedGen C1846689, MONDO:0011784, OMIM 607151.

Submission:

3billion
Classification: Pathogenic for Moyamoya disease 2. Last evaluated: 2025-09-17. Review status: criteria provided, single submitter. Criteria: ACMG Guidelines, 2015. Collection method: clinical testing. Allele origin: germline. Affected: yes.
Comment: The variant is not observed in the gnomAD v4.1.0 dataset. Predicted Consequence/Location: Missense variant. Missense changes are a common disease-causing mechanism. Damaging effect on gene or gene product predicted by in silico programs is uncertain [3Cnet: 0.71 (damaging >0.75, benign <0.1)]. The same nucleotide change resulting in the same amino acid change has been previously reported as pathogenic/likely pathogenic with strong evidence (ClinVar ID: VCV000982215 /PMID: 33568546, 36012218). The variant has been previously reported as de novo in a similarly affected individual (PMID: 36012218). The variant has been previously reported as assumed (i.e. paternity and maternity not confirmed) de novo in at least one similarly affected unrelated individual (PMID: 33568546). Therefore, this variant is classified as Pathogenic according to the recommendation of ACMG/AMP guideline.

Literature cited by the submitters: PubMed 36012218; PubMed 33568546.